The following is an entry in ClinVar:

ClinVar aggregate classification (germline): Uncertain significance (1 of 4 stars; one submission).

Conditions:
Myeloproliferative neoplasm. Identifiers: Orphanet 98274, MedGen C1292778, MONDO:0020076.

Submission:

Dept of Medical Biology, Uskudar University
Classification: Uncertain significance for Myeloproliferative neoplasm. Last evaluated: 2026-09-16. Review status: criteria provided, single submitter. Criteria: Dept of Medical Biology Variant Classification. Collection method: research. Allele origin: unknown. Affected: yes. Observed: 1 variant allele.
Comment: PM2_supporting: absent from gnomAD v4.1. PP3: computational evidence supports a deleterious effect (SIFT 0.0 deleterious, low confidence; PolyPhen-2 0.977 probably damaging). Classified as uncertain significance under the ACMG/AMP 2015 guidelines (PMID:25741868). Detected in a retrospective series of 256 BCR::ABL1-negative and JAK2 V617F-negative patients referred for molecular investigation of a suspected myeloproliferative neoplasm (May 2007 to January 2015) and re-interpreted under the ACMG/AMP 2015 criteria.

NM_022552.5(DNMT3A):c.2696G>T (p.Arg899Leu)

Gene: DNMT3A (DNA methyltransferase 3 alpha; minus strand). Cytogenetic location: 2p23.3.
Variant type: single nucleotide variant.
Coding change: c.2696G>T on transcript NM_022552.5 (MANE Select); coding-DNA position 2696, G replaced by T.
Protein change: p.Arg899Leu; replaces arginine 899 with leucine.
Molecular consequence: missense variant. On other transcripts: non-coding transcript variant (1).
Genome position (GRCh38, 1-based): chr2:25,234,322, C>A on the plus strand (G>T on the coding strand, the complement: DNMT3A is on the minus strand). VCF-style: chr2-25234322-C-A. GRCh37 (hg19) VCF-style: chr2-25457191-C-A.
Other names: c.2240G>T, p.Arg747Leu (NM_001320893.1); c.2027G>T, p.Arg676Leu (NM_001375819.1); c.2129G>T, p.Arg710Leu (NM_153759.3); c.2696G>T, p.Arg899Leu (NM_175629.2); short protein forms R676L, R710L, R747L, R899L.
Identifiers: ClinVar variation 5036688 (VCV005036688.1).